The following is an entry in ClinVar:

NM_014141.6(CNTNAP2):c.2476T>C (p.Tyr826His)

Gene: CNTNAP2 (contactin associated protein 2; plus strand). Cytogenetic location: 7q35.
Variant type: single nucleotide variant.
Coding change: c.2476T>C on transcript NM_014141.6 (MANE Select); coding-DNA position 2476, T replaced by C.
Protein change: p.Tyr826His; replaces tyrosine 826 with histidine.
Molecular consequence: missense variant.
Genome position (GRCh38, 1-based): chr7:148,118,210, T>C. VCF-style: chr7-148118210-T-C. GRCh37 (hg19) VCF-style: chr7-147815302-T-C.
Other names: short protein forms Y826H.
Identifiers: ClinVar variation 4874261 (VCV004874261.2).

ClinVar aggregate classification (germline): Uncertain significance (1 of 4 stars; one submission).

Submission:

CeGaT Center for Human Genetics Tuebingen
Classification: Uncertain significance. Last evaluated: 2026-04-01. Review status: criteria provided, single submitter. Criteria: CeGaT Center For Human Genetics Tuebingen Variant Classification Criteria Version 2. Collection method: clinical testing. Allele origin: germline. Affected: yes. Observed: 1 variant allele.
Comment: CNTNAP2: PM2